The following is an entry in ClinVar:

ClinVar aggregate classification (germline): Uncertain significance (1 of 4 stars; one submission).

Allele frequency attached by ClinVar (database versions not stated): gnomAD exomes 0.00005 and 0.00006; gnomAD 0.00006 and 0.00007; ExAC 0.00007; TOPMed 0.00010; 1000 Genomes Project 30x 0.00016; 1000 Genomes Project 0.00020.

Submission:

Labcorp Genetics (formerly Invitae), Labcorp
Classification: Uncertain significance. Last evaluated: 2022-10-19. Review status: criteria provided, single submitter. Criteria: Invitae Variant Classification Sherloc (09022015). Collection method: clinical testing. Allele origin: germline.
Comment: In summary, the available evidence is currently insufficient to determine the role of this variant in disease. Therefore, it has been classified as a Variant of Uncertain Significance. Algorithms developed to predict the effect of missense changes on protein structure and function are either unavailable or do not agree on the potential impact of this missense change (SIFT: "Deleterious"; PolyPhen-2: "Possibly Damaging"; Align-GVGD: "Class C0"). ClinVar contains an entry for this variant (Variation ID: 1043198). This variant has not been reported in the literature in individuals affected with LIG1-related conditions. This variant is present in population databases (rs200049505, gnomAD 0.009%). This sequence change replaces arginine, which is basic and polar, with histidine, which is basic and polar, at codon 672 of the LIG1 protein (p.Arg672His).

NM_000234.3(LIG1):c.2015G>A (p.Arg672His)

Gene: LIG1 (DNA ligase 1; minus strand). Cytogenetic location: 19q13.33.
Variant type: single nucleotide variant.
Coding change: c.2015G>A on transcript NM_000234.3 (MANE Select); coding-DNA position 2015, G replaced by A.
Protein change: p.Arg672His; replaces arginine 672 with histidine.
Molecular consequence: missense variant. On other transcripts: non-coding transcript variant (6).
Genome position (GRCh38, 1-based): chr19:48,123,308, C>T on the plus strand (G>A on the coding strand, the complement: LIG1 is on the minus strand). VCF-style: chr19-48123308-C-T. GRCh37 (hg19) VCF-style: chr19-48626565-C-T.
Other names: c.1922G>A, p.Arg641His (NM_001289063.2); c.1811G>A, p.Arg604His (NM_001289064.2); c.2012G>A, p.Arg671His (NM_001320970.2); c.1925G>A, p.Arg642His (NM_001320971.2); short protein forms R642H, R671H, R604H, R641H, R672H.
Identifiers: ClinVar variation 1043198 (VCV001043198.7), dbSNP rs200049505, ClinGen allele CA9546580.